The following is an entry in ClinVar:

NM_001077365.2(POMT1):c.1487-166G>A

Gene: POMT1 (protein O-mannosyltransferase 1; plus strand). Cytogenetic location: 9q34.13.
Variant type: single nucleotide variant.
Coding change: c.1487-166G>A on transcript NM_001077365.2 (MANE Select); 166 bases into the intron before coding-DNA position 1487, G replaced by A.
Molecular consequence: intron variant.
Genome position (GRCh38, 1-based): chr9:131,519,223, G>A. VCF-style: chr9-131519223-G-A. GRCh37 (hg19) VCF-style: chr9-134394610-G-A.
Other names: c.1031-166G>A (NM_001353200.2); c.1391-166G>A (NM_001353198.2, NM_001353197.2); c.1553-166G>A (NM_001353193.2, NM_007171.4); c.1487-166G>A (NM_001136113.2); c.1325-166G>A (NM_001353194.2, NM_001077366.2); c.1136-166G>A (NM_001374691.1, NM_001353195.2, NM_001374692.1 and 2 more transcripts); c.1365+686G>A (NM_001374690.1); c.1397-166G>A (NM_001353196.2); and 3 more.
Identifiers: ClinVar variation 668010 (VCV000668010.2), dbSNP rs749590, ClinGen allele CA13040151.

ClinVar aggregate classification (germline): Benign. Review status: criteria provided, multiple submitters, no conflicts (2 of 4 stars). 2 submissions from 2 submitters: Benign (2). Last evaluated 2018-06-19.

Allele frequency attached by ClinVar (database versions not stated): gnomAD 0.05511; TOPMed 0.06523; 1000 Genomes Project 0.06689; 1000 Genomes Project 30x 0.06886.

Submissions (2):

GeneDx
Classification: Benign. Last evaluated: 2018-06-19. Review status: criteria provided, single submitter. Criteria: GeneDx Variant Classification (06012015). Collection method: clinical testing. Allele origin: germline. Affected: yes.
Comment: This variant is considered likely benign or benign based on one or more of the following criteria: it is a conservative change, it occurs at a poorly conserved position in the protein, it is predicted to be benign by multiple in silico algorithms, and/or has population frequency not consistent with disease.

Breakthrough Genomics
Classification: Benign. Review status: criteria provided, single submitter. Criteria: ACMG Guidelines, 2015. Collection method: not provided. Allele origin: germline. Inheritance: Autosomal recessive inheritance. Affected: yes.